The following is an entry in ClinVar:

NM_012470.4(TNPO3):c.2489G>A (p.Gly830Glu)

Gene: TNPO3 (transportin 3; minus strand). Cytogenetic location: 7q32.1.
Variant type: single nucleotide variant.
Coding change: c.2489G>A on transcript NM_012470.4 (MANE Select); coding-DNA position 2489, G replaced by A.
Protein change: p.Gly830Glu; replaces glycine 830 with glutamic acid.
Molecular consequence: missense variant. On other transcripts: non-coding transcript variant (18).
Genome position (GRCh38, 1-based): chr7:128,970,257, C>T on the plus strand (G>A on the coding strand, the complement: TNPO3 is on the minus strand). VCF-style: chr7-128970257-C-T. GRCh37 (hg19) VCF-style: chr7-128610311-C-T.
Other names: c.2297G>A, p.Gly766Glu (NM_001191028.3, NM_001382223.1); c.2591G>A, p.Gly864Glu (NM_001382216.1); c.2570G>A, p.Gly857Glu (NM_001382217.1); c.2489G>A, p.Gly830Glu (NM_001382218.1); c.2381G>A, p.Gly794Glu (NM_001382219.1); c.2348G>A, p.Gly783Glu (NM_001382220.1); c.2345G>A, p.Gly782Glu (NM_001382221.1); c.2342G>A, p.Gly781Glu (NM_001382222.1); short protein forms G766E, G781E, G782E, G783E, G794E, G830E, G857E, G864E.
Identifiers: ClinVar variation 3766307 (VCV003766307.1).

ClinVar aggregate classification (germline): Uncertain significance (1 of 4 stars; one submission).

Submission:

GeneDx
Classification: Uncertain significance. Last evaluated: 2024-08-25. Review status: criteria provided, single submitter. Criteria: GeneDx Variant Classification Process June 2021. Collection method: clinical testing. Allele origin: germline. Affected: yes.
Comment: Not observed at significant frequency in large population cohorts (gnomAD); In silico analysis supports that this missense variant has a deleterious effect on protein structure/function; Has not been previously published as pathogenic or benign to our knowledge